The following is an entry in ClinVar:

ClinVar aggregate classification (germline): Uncertain significance (1 of 4 stars; one submission).

gnomAD v4.1: 1 of 1,522,678 alleles (0.000066%); highest among the groups gnomAD compares: Admixed American, 0.002%; no homozygotes.

Submission:

Labcorp Genetics (formerly Invitae), Labcorp
Classification: Uncertain significance. Last evaluated: 2022-08-31. Review status: criteria provided, single submitter. Criteria: Invitae Variant Classification Sherloc (09022015). Collection method: clinical testing. Allele origin: germline.
Comment: This sequence change replaces glycine, which is neutral and non-polar, with alanine, which is neutral and non-polar, at codon 468 of the CAMK2B protein (p.Gly468Ala). This variant is not present in population databases (gnomAD no frequency). This variant has not been reported in the literature in individuals affected with CAMK2B-related conditions. ClinVar contains an entry for this variant (Variation ID: 1487191). Algorithms developed to predict the effect of missense changes on protein structure and function are either unavailable or do not agree on the potential impact of this missense change (SIFT: "Deleterious"; PolyPhen-2: "Benign"; Align-GVGD: "Class C55"). In summary, the available evidence is currently insufficient to determine the role of this variant in disease. Therefore, it has been classified as a Variant of Uncertain Significance.

NM_001220.5(CAMK2B):c.1403G>C (p.Gly468Ala)

Gene: CAMK2B (calcium/calmodulin dependent protein kinase II beta; minus strand). Cytogenetic location: 7p13.
Variant type: single nucleotide variant.
Coding change: c.1403G>C on transcript NM_001220.5 (MANE Select); coding-DNA position 1403, G replaced by C.
Protein change: p.Gly468Ala; replaces glycine 468 with alanine.
Molecular consequence: missense variant. On other transcripts: intron variant (8).
Genome position (GRCh38, 1-based): chr7:44,228,861, C>G on the plus strand (G>C on the coding strand, the complement: CAMK2B is on the minus strand). VCF-style: chr7-44228861-C-G. GRCh37 (hg19) VCF-style: chr7-44268460-C-G.
Other names: c.947-7960G>C (NM_172084.3); c.1150+2145G>C (NM_172080.3); c.1036+2145G>C (NM_172083.3); c.1108+2145G>C (NM_172081.3); c.1153+2145G>C (NM_172079.3, NM_172082.3); c.1225+2145G>C (NM_001293170.2, NM_172078.3); short protein forms G468A.
Identifiers: ClinVar variation 1487191 (VCV001487191.6), dbSNP rs770390072, ClinGen allele CA367373121.